The following is an entry in ClinVar:

NM_006514.4(SCN10A):c.3799A>T (p.Met1267Leu)

Gene: SCN10A (sodium voltage-gated channel alpha subunit 10; minus strand). Cytogenetic location: 3p22.2.
Variant type: single nucleotide variant.
Coding change: c.3799A>T on transcript NM_006514.4 (MANE Select); coding-DNA position 3799, A replaced by T.
Protein change: p.Met1267Leu; replaces methionine 1267 with leucine.
Molecular consequence: missense variant.
Genome position (GRCh38, 1-based): chr3:38,713,963, T>A on the plus strand (A>T on the coding strand, the complement: SCN10A is on the minus strand). VCF-style: chr3-38713963-T-A. GRCh37 (hg19) VCF-style: chr3-38755454-T-A.
Other names: c.3796A>T, p.Met1266Leu (NM_001293306.2); c.3505A>T, p.Met1169Leu (NM_001293307.2); short protein forms M1169L, M1267L, M1266L.
Identifiers: ClinVar variation 1735006 (VCV001735006.2), dbSNP rs2470609866, ClinGen allele CA352151439.

ClinVar aggregate classification (germline): Uncertain significance (1 of 4 stars; one submission).

Conditions:
Cardiovascular phenotype. Identifiers: MedGen CN230736.

Submission:

Ambry Genetics
Classification: Uncertain significance for Cardiovascular phenotype. Last evaluated: 2021-09-30. Review status: criteria provided, single submitter. Criteria: Ambry Variant Classification Scheme 2023. Collection method: clinical testing. Allele origin: germline.
Comment: The p.M1267L variant (also known as c.3799A>T), located in coding exon 21 of the SCN10A gene, results from an A to T substitution at nucleotide position 3799. The methionine at codon 1267 is replaced by leucine, an amino acid with highly similar properties. This amino acid position is conserved. In addition, the in silico prediction for this alteration is inconclusive. Since supporting evidence is limited at this time, the clinical significance of this alteration remains unclear.